The following is an entry in ClinVar:

NM_000525.4(KCNJ11):c.1058A>G (p.His353Arg)

Gene: KCNJ11 (potassium inwardly rectifying channel subfamily J member 11; minus strand). Cytogenetic location: 11p15.1.
Variant type: single nucleotide variant.
Coding change: c.1058A>G on transcript NM_000525.4 (MANE Select); coding-DNA position 1058, A replaced by G.
Protein change: p.His353Arg; replaces histidine 353 with arginine.
Molecular consequence: missense variant.
Genome position (GRCh38, 1-based): chr11:17,387,034, T>C on the plus strand (A>G on the coding strand, the complement: KCNJ11 is on the minus strand). VCF-style: chr11-17387034-T-C. GRCh37 (hg19) VCF-style: chr11-17408581-T-C.
Other names: c.797A>G, p.His266Arg (NM_001166290.2, NM_001377296.1, NM_001377297.1); short protein forms H266R, H353R.
Identifiers: ClinVar variation 2664738 (VCV002664738.1), dbSNP rs756762581, ClinGen allele CA5902191.

ClinVar aggregate classification (germline): Uncertain significance (1 of 4 stars; one submission).

Conditions:
Hyperinsulinemic hypoglycemia, familial, 2. Also called: HYPERINSULINEMIC HYPOGLYCEMIA, PERSISTENT; HYPERINSULINISM, NEONATAL. Identifiers: Orphanet 276580, Orphanet 276603, MedGen C2931833, MONDO:0011153, OMIM 601820. Disease mechanism: loss of function.

Allele frequency attached by ClinVar (database versions not stated): ExAC 0.00001; gnomAD 0.00001.
gnomAD v4.1: 1 of 1,614,104 alleles (0.000062%); highest among the groups gnomAD compares: Non-Finnish European, 0.000085%; no homozygotes.

Submission:

Genetics and Molecular Pathology, SA Pathology
Classification: Uncertain significance for Hyperinsulinemic hypoglycemia, familial, 2. Last evaluated: 2023-04-28. Review status: criteria provided, single submitter. Criteria: ACMG Guidelines, 2015. Collection method: clinical testing. Allele origin: germline. Affected: yes.
Comment: The KCNJ11 c.1058A>G variant is classified as a VUS (PM2) The KCNJ11 c.1058A>G variant is a single nucleotide change in exon 1/1 of the KCNJ11 gene, which is predicted to change the amino acid histidine at position 353 in the protein to arginine. The variant is rare in population databases (gnomAD allele frequency = 0.00065%; 1 het and 0 hom in 152224 sequenced alleles) (PM2). Computational predictions are inconclusive (neither PP3 or BP4 applied). The variant has been reported in dbSNP (rs756762581). It has not been reported in ClinVar, HGMD or the scientific literature to date.